The following is an entry in ClinVar:

NM_007373.4(SHOC2):c.574G>T (p.Asp192Tyr)

Gene: SHOC2 (SHOC2 leucine rich repeat scaffold protein; plus strand). Cytogenetic location: 10q25.2.
Variant type: single nucleotide variant.
Coding change: c.574G>T on transcript NM_007373.4 (MANE Select); coding-DNA position 574, G replaced by T.
Protein change: p.Asp192Tyr; replaces aspartic acid 192 with tyrosine.
Molecular consequence: missense variant.
Genome position (GRCh38, 1-based): chr10:110,964,932, G>T. VCF-style: chr10-110964932-G-T. GRCh37 (hg19) VCF-style: chr10-112724690-G-T.
Other names: c.574G>T, p.Asp192Tyr (NM_001269039.3, NM_001324336.2, NM_001324337.2); short protein forms D192Y.
Identifiers: ClinVar variation 1309835 (VCV001309835.9), dbSNP rs769457449, ClinGen allele CA5689598.

ClinVar aggregate classification (germline): Uncertain significance. Review status: criteria provided, multiple submitters, no conflicts (2 of 4 stars). 2 submissions from 2 submitters: Uncertain significance (2). Last evaluated 2021-04-23.

Conditions:
RASopathy. Also called: Noonan spectrum disorder; rasopathies. Identifiers: Orphanet 536391, MedGen C5555857, MONDO:0021060.

Allele frequency attached by ClinVar (database versions not stated): ExAC 0.00001; gnomAD exomes 0.00001.
gnomAD v4.1: 2 of 1,613,732 alleles (0.00012%); highest among the groups gnomAD compares: South Asian, 0.0011%; no homozygotes.

Submissions (2):

Labcorp Genetics (formerly Invitae), Labcorp
Classification: Uncertain significance for RASopathy. Last evaluated: 2021-04-23. Review status: criteria provided, single submitter. Criteria: Invitae Variant Classification Sherloc (09022015). Collection method: clinical testing. Allele origin: germline.
Comment: In summary, the available evidence is currently insufficient to determine the role of this variant in disease. Therefore, it has been classified as a Variant of Uncertain Significance. Algorithms developed to predict the effect of missense changes on protein structure and function (SIFT, PolyPhen-2, Align-GVGD) all suggest that this variant is likely to be tolerated, but these predictions have not been confirmed by published functional studies and their clinical significance is uncertain. This variant has not been reported in the literature in individuals with SHOC2-related conditions. This variant is present in population databases (rs769457449, ExAC 0.006%). This sequence change replaces aspartic acid with tyrosine at codon 192 of the SHOC2 protein (p.Asp192Tyr). The aspartic acid residue is weakly conserved and there is a large physicochemical difference between aspartic acid and tyrosine.

GeneDx
Classification: Uncertain significance. Last evaluated: 2019-10-28. Review status: criteria provided, single submitter. Criteria: GeneDx Variant Classification Process June 2021. Collection method: clinical testing. Allele origin: germline. Affected: yes.
Comment: Has not been previously published as pathogenic or benign to our knowledge; Not observed at a significant frequency in large population cohorts (Lek et al., 2016); In silico analysis, which includes protein predictors and evolutionary conservation, supports that this variant does not alter protein structure/function